The following is an entry in ClinVar:

ClinVar aggregate classification (germline): Uncertain significance (1 of 4 stars; one submission).

Conditions:
Hereditary cancer-predisposing syndrome. Also called: Neoplastic Syndromes, Hereditary; Hereditary Cancer Syndrome; Hereditary neoplastic syndrome; Tumor predisposition. Identifiers: Orphanet 140162, MedGen C0027672, MeSH D009386, MONDO:0015356.

Submission:

Ambry Genetics
Classification: Uncertain significance for Hereditary cancer-predisposing syndrome. Last evaluated: 2026-05-23. Review status: criteria provided, single submitter. Criteria: Ambry Variant Classification Scheme 2023. Collection method: clinical testing. Allele origin: germline.
Comment: The p.Q320K variant (also known as c.958C>A), located in coding exon 9 of the FANCC gene, results from a C to A substitution at nucleotide position 958. The glutamine at codon 320 is replaced by lysine, an amino acid with similar properties. This amino acid position is conserved. In addition, this alteration is predicted to be tolerated by in silico analysis. Based on the available evidence, the clinical significance of this variant remains unclear.

NM_000136.3(FANCC):c.958C>A (p.Gln320Lys)

Genes: AOPEP (aminopeptidase O (putative); plus strand), FANCC (FA complementation group C; minus strand). Cytogenetic location: 9q22.32.
Variant type: single nucleotide variant.
Coding change: c.958C>A on transcript NM_000136.3 (MANE Select); coding-DNA position 958, C replaced by A.
Protein change: p.Gln320Lys; replaces glutamine 320 with lysine.
Molecular consequence: missense variant.
Genome position (GRCh38, 1-based): chr9:95,125,124, G>T on the plus strand (C>A on the coding strand, the complement: FANCC is on the minus strand). VCF-style: chr9-95125124-G-T. GRCh37 (hg19) VCF-style: chr9-97887406-G-T.
Other names: c.958C>A, p.Gln320Lys (NM_001243743.2, NM_001243744.2); short protein forms Q320K.
Identifiers: ClinVar variation 4870960 (VCV004870960.1).